The following is an entry in ClinVar:

NM_004415.4(DSP):c.1249C>G (p.Gln417Glu)

Gene: DSP (desmoplakin; plus strand). Cytogenetic location: 6p24.3.
Variant type: single nucleotide variant.
Coding change: c.1249C>G on transcript NM_004415.4 (MANE Select); coding-DNA position 1249, C replaced by G.
Protein change: p.Gln417Glu; replaces glutamine 417 with glutamic acid.
Molecular consequence: missense variant.
Genome position (GRCh38, 1-based): chr6:7,567,889, C>G. VCF-style: chr6-7567889-C-G. GRCh37 (hg19) VCF-style: chr6-7568122-C-G.
Other names: c.1249C>G, p.Gln417Glu (NM_001008844.3, NM_001319034.2, NM_001406591.1); short protein forms Q417E.
Identifiers: ClinVar variation 4245123 (VCV004245123.1).

ClinVar aggregate classification (germline): Uncertain significance (1 of 4 stars; one submission).

Conditions:
Cardiovascular phenotype. Identifiers: MedGen CN230736.

Submission:

Ambry Genetics
Classification: Uncertain significance for Cardiovascular phenotype. Last evaluated: 2025-08-30. Review status: criteria provided, single submitter. Criteria: Ambry Variant Classification Scheme 2023. Collection method: clinical testing. Allele origin: germline.
Comment: The p.Q417E variant (also known as c.1249C>G), located in coding exon 10 of the DSP gene, results from a C to G substitution at nucleotide position 1249. The glutamine at codon 417 is replaced by glutamic acid, an amino acid with highly similar properties. This amino acid position is conserved. In addition, the in silico prediction for this alteration is inconclusive. Based on the available evidence, the clinical significance of this variant remains unclear.